The following is an entry in ClinVar:

NM_000230.3(LEP):c.6T>C (p.His2=)

Gene: LEP (leptin; plus strand). Cytogenetic location: 7q32.1.
Variant type: single nucleotide variant.
Coding change: c.6T>C on transcript NM_000230.3 (MANE Select); coding-DNA position 6, T replaced by C.
Protein change: p.His2=; no amino-acid change (histidine 2 retained).
Molecular consequence: synonymous variant.
Genome position (GRCh38, 1-based): chr7:128,252,024, T>C. VCF-style: chr7-128252024-T-C. GRCh37 (hg19) VCF-style: chr7-127892077-T-C.
Identifiers: ClinVar variation 3355246 (VCV003355246.2).
Genomic context (GRCh38, chr7:128,252,024, plus strand): 5'-GCAGTGTGTGGTTCCTTCTGTTTTCAGGCCCAAGAAGCCCATCCTGGGAAGGAAAATGCA[T>C]TGGGGAACCCTGTGCGGATTCTTGTGGCTTTGGCCCTATCTTTTCTATGTCCAAGCTGTG-3'
Protein context (NP_000221.1, residues 1-12): M[His2=]WGTLCGFLWL

ClinVar aggregate classification (germline): Likely benign. Review status: criteria provided, single submitter (1 of 4 stars). 2 submissions from 2 submitters: Likely benign (1). 1 of the submissions does not count toward it. Last evaluated 2026-01-24.

Conditions:
LEP-related disorder. Also called: LEP-related condition.

gnomAD v4.1: 43 of 1,614,072 alleles (0.0027%); highest among the groups gnomAD compares: Middle Eastern, 0.016%; 1 homozygote.

Submissions (2):

Labcorp Genetics (formerly Invitae), Labcorp
Classification: Likely benign. Last evaluated: 2026-01-24. Review status: criteria provided, single submitter. Criteria: Invitae Variant Classification Sherloc (09022015). Collection method: clinical testing. Allele origin: germline.

PreventionGenetics, part of Exact Sciences
Classification: Likely benign for LEP-related condition. Last evaluated: 2024-05-20. Review status: no assertion criteria provided. Collection method: clinical testing. Allele origin: germline. Not counted in ClinVar's aggregate classification.
Comment: This variant is classified as likely benign based on ACMG/AMP sequence variant interpretation guidelines (Richards et al. 2015 PMID: 25741868, with internal and published modifications).